The following is an entry in ClinVar:

NM_000535.7(PMS2):c.2541G>C (p.Arg847Ser)

Gene: PMS2 (PMS1 homolog 2, mismatch repair system component; minus strand). Cytogenetic location: 7p22.1.
Variant type: single nucleotide variant.
Coding change: c.2541G>C on transcript NM_000535.7 (MANE Select); coding-DNA position 2541, G replaced by C.
Protein change: p.Arg847Ser; replaces arginine 847 with serine.
Molecular consequence: missense variant. On other transcripts: non-coding transcript variant (1).
Genome position (GRCh38, 1-based): chr7:5,973,447, C>G on the plus strand (G>C on the coding strand, the complement: PMS2 is on the minus strand). VCF-style: chr7-5973447-C-G. GRCh37 (hg19) VCF-style: chr7-6013078-C-G.
Other names: c.2136G>C, p.Arg712Ser (NM_001018040.1, NM_001322003.2, NM_001322004.2 and 12 more transcripts); c.2385G>C, p.Arg795Ser (NM_001322006.2); c.2223G>C, p.Arg741Ser (NM_001322007.2, NM_001322008.2, NM_001406883.1); c.2169G>C, p.Arg723Ser (NM_001322009.2, NM_001406887.1, NM_001406888.1); c.1980G>C, p.Arg660Ser (NM_001322010.2, NM_001406906.1, NM_001406907.1); c.1608G>C, p.Arg536Ser (NM_001322011.2, NM_001322012.2); c.1968G>C, p.Arg656Ser (NM_001322013.2, NM_001406908.1, NM_001406909.1); c.2574G>C, p.Arg858Ser (NM_001322014.2); and 20 more; short protein forms R590S, R676S, R739S, R752S, R781S, R806S, R811S, R847S.
Identifiers: ClinVar variation 1792837 (VCV001792837.2), dbSNP rs2128657332, ClinGen allele CA366734832.

ClinVar aggregate classification (germline): Uncertain significance (1 of 4 stars; one submission).

Conditions:
Hereditary cancer-predisposing syndrome. Also called: Tumor predisposition; Hereditary Cancer Syndrome; Neoplastic Syndromes, Hereditary; Hereditary neoplastic syndrome. Identifiers: Orphanet 140162, MedGen C0027672, MeSH D009386, MONDO:0015356.

Submission:

Ambry Genetics
Classification: Uncertain significance for Hereditary cancer-predisposing syndrome. Last evaluated: 2021-06-11. Review status: criteria provided, single submitter. Criteria: Ambry Variant Classification Scheme 2023. Collection method: clinical testing. Allele origin: germline.
Comment: The p.R847S variant (also known as c.2541G>C), located in coding exon 15 of the PMS2 gene, results from a G to C substitution at nucleotide position 2541. The arginine at codon 847 is replaced by serine, an amino acid with dissimilar properties. This amino acid position is highly conserved in available vertebrate species. In addition, this alteration is predicted to be deleterious by in silico analysis. Since supporting evidence is limited at this time, the clinical significance of this alteration remains unclear.